The following is an entry in ClinVar:

ClinVar aggregate classification (germline): Pathogenic. Review status: reviewed by expert panel (3 of 4 stars). 10 submissions from 10 submitters: Pathogenic (1). 9 of the submissions do not count toward it. Last evaluated 2015-08-10.

Conditions:
Hereditary cancer-predisposing syndrome. Also called: Hereditary Cancer Syndrome; Hereditary neoplastic syndrome; Neoplastic Syndromes, Hereditary; Tumor predisposition. Identifiers: Orphanet 140162, MedGen C0027672, MeSH D009386, MONDO:0015356.
Inherited prostate cancer.
Hereditary breast ovarian cancer syndrome. Also called: BRCA1- and BRCA2-Associated Hereditary Breast and Ovarian Cancer; Hereditary breast and ovarian cancer syndrome; Hereditary breast and ovarian cancer syndrome (HBOC); Breast and ovarian cancer; Hereditary breast and/or ovarian cancer syndrome; Hereditary breast and ovarian cancer. Identifiers: Orphanet 145, MedGen C0677776, MeSH D061325, MONDO:0003582. Disease mechanism: loss of function.
Breast-ovarian cancer, familial, susceptibility to, 1 (BROVCA1). Also called: BRCA1 Hereditary Breast and Ovarian Cancer; OVARIAN CANCER, SUSCEPTIBILITY TO. Identifiers: Orphanet 145, MedGen C2676676, MONDO:0011450, OMIM 604370. Disease mechanism: loss of function.

Allele frequency attached by ClinVar (database versions not stated): gnomAD exomes below 0.00001; gnomAD 0.00001.

Submissions (11):

Evidence-based Network for the Interpretation of Germline Mutant Alleles (ENIGMA)
Classification: Pathogenic for Breast-ovarian cancer, familial 1. Last evaluated: 2015-08-10. Review status: reviewed by expert panel. Criteria: ENIGMA BRCA1/2 Classification Criteria (2015). Collection method: curation. Allele origin: germline.
Comment: IARC class based on posterior probability from multifactorial likelihood analysis, thresholds for class as per Plon et al. 2008 (PMID: 18951446). Class 5 based on posterior probability = 0.999

Cambridge Genomics Laboratory, East Genomic Laboratory Hub, NHS Genomic Medicine Service
Classification: Pathogenic for Inherited prostate cancer. Last evaluated: 2025-07-22. Review status: criteria provided, single submitter. Criteria: ACGS Best Practice Guidelines for Variant Classification in Rare Disease 2020. Collection method: clinical testing. Allele origin: germline. Affected: yes. Not counted in ClinVar's aggregate classification.
Comment: PS3,PM2_Supporting,PM5,PP3,PP4_Strong

Labcorp Genetics (formerly Invitae), Labcorp
Classification: Pathogenic for Hereditary breast ovarian cancer syndrome. Last evaluated: 2025-02-02. Review status: criteria provided, single submitter. Criteria: Invitae Variant Classification Sherloc (09022015). Collection method: clinical testing. Allele origin: germline. Not counted in ClinVar's aggregate classification.
Comment: This sequence change replaces threonine, which is neutral and polar, with isoleucine, which is neutral and non-polar, at codon 1685 of the BRCA1 protein (p.Thr1685Ile). This variant is not present in population databases (gnomAD no frequency). This missense change has been observed in individual(s) with ovarian cancer (PMID: 26689913, 29297111). ClinVar contains an entry for this variant (Variation ID: 55365). Invitae Evidence Modeling incorporating data from in vitro experimental studies (PMID: 30209399) indicates that this missense variant is expected to disrupt BRCA1 function with a positive predictive value of 95%. Experimental studies have shown that this missense change affects BRCA1 function (PMID: 20516115, 30209399). This variant disrupts the p.Thr1685Ala amino acid residue in BRCA1. Other variant(s) that disrupt this residue have been determined to be pathogenic (PMID: 17924331, 20516115, 21990134, 27272900). This suggests that this residue is clinically significant, and that variants that disrupt this residue are likely to be disease-causing. For these reasons, this variant has been classified as Pathogenic.

Women's Health and Genetics/Laboratory Corporation of America, LabCorp
Classification: Pathogenic for Hereditary breast ovarian cancer syndrome. Last evaluated: 2024-12-14. Review status: criteria provided, single submitter. Criteria: LabCorp Variant Classification Summary - May 2015. Collection method: clinical testing. Allele origin: germline. Not counted in ClinVar's aggregate classification.
Comment: Variant summary: BRCA1 c.5054C>T (p.Thr1685Ile) results in a non-conservative amino acid change located in the BRCT domain of the encoded protein sequence. Four of five in-silico tools predict a damaging effect of the variant on protein function. The variant was absent in 252378 control chromosomes. c.5054C>T has been reported in the literature in multiple individuals affected with Hereditary Breast And Ovarian Cancer Syndrome (example, Phelan_2005, Blay_2013, Rebbeck_2018, Rioki_2023). These data indicate that the variant is very likely to be associated with disease. Multiple publications report experimental evidence evaluating an impact on protein function. The most pronounced variant effect results in loss of homology directed repair (HDR) capacity (example, Findlay_2018). The following publications have been ascertained in the context of this evaluation (PMID: 15172985, 18757339, 17305420, 17308087, 20516115, 22753008, 21990165, 15235020, 21990134, 23683081, 17924331, 30209399, 16280041, 15689452, 29446198, 37719058, 20513136). ClinVar contains an entry for this variant (Variation ID: 55365). Based on the evidence outlined above, the variant was classified as pathogenic.

Quest Diagnostics Nichols Institute San Juan Capistrano
Classification: Pathogenic. Last evaluated: 2023-11-03. Review status: criteria provided, single submitter. Criteria: Quest Diagnostics criteria. Collection method: clinical testing. Allele origin: unknown. Not counted in ClinVar's aggregate classification.
Comment: The BRCA1 c.5054C>T (p.Thr1685Ile) variant has been reported in the published literature in ovarian cancer (PMIDs: 29020732 (2018), 29297111 (2018)). Functional studies demonstrated that this variant is damaging to protein function (PMIDs: 15689452 (2005), 20516115 (2010), 21447777 (2011), 26689913 (2015), and 30209399 (2018)). This variant has not been reported in large, multi-ethnic general populations (Genome Aggregation Database). Based on the available information, this variant is classified as pathogenic.

Ambry Genetics
Classification: Pathogenic for Hereditary cancer-predisposing syndrome. Last evaluated: 2022-01-28. Review status: criteria provided, single submitter. Criteria: Ambry Variant Classification Scheme 2023. Collection method: clinical testing. Allele origin: germline. Not counted in ClinVar's aggregate classification.
Comment: The p.T1685I pathogenic mutation (also known as c.5054C>T), located in coding exon 15 of the BRCA1 gene, results from a C to T substitution at nucleotide position 5054. The threonine at codon 1685 is replaced by isoleucine, an amino acid with similar properties. This alteration has been identified in an individual diagnosed with ovarian cancer (Alhuqail AJ et al. Breast Cancer Res Treat, 2018 Apr;168:695-702). This alteration was also identified in a large, worldwide study of BRCA1/2 mutation positive families (Rebbeck TR et al. Hum Mutat, 2018 05;39:593-620). Multiple functional studies have found this variant to be non-functional including a phosphopeptide binding assay, a specificity assay, a protease sensitivity assay and a haploid cell survival assay (Lee MS et al. Cancer Res. 2010 Jun;70(12):4880-90; Petitalot A et al. Mol Cancer Res, 2019 01;17:54-69; Findlay GM et al. Nature, 2018 10;562:217-222). Another alteration at the same codon, p.T1685A (c.5053A>G), has been identified in a large, worldwide study of BRCA1/2 mutation positive families (Rebbeck TR et al. Hum Mutat, 2018 05;39:593-620). Additionally, multiple functional studies have found this variant to be non-functional including a phosphopeptide binding assay; a binding specificity assay; a protease sensitivity assay; a homology-directed DNA repair assay, and a haploid cell survival assay (Lee MS et al. Cancer Res. 2010 Jun;70(12):4880-90; Petitalot A et al. Mol Cancer Res, 2019 01;17:54-69; Findlay GM et al. Nature, 2018 10;562:217-222). This amino acid position is highly conserved in available vertebrate species. In addition, this alteration is predicted to be deleterious by in silico analysis. This variant is considered to be rare based on population cohorts in the Genome Aggregation Database (gnomAD). Based on the supporting evidence, this alteration is interpreted as a disease-causing mutation.

Consortium of Investigators of Modifiers of BRCA1/2 (CIMBA), c/o University of Cambridge
Classification: Pathogenic for Breast-ovarian cancer, familial, susceptibility to, 1. Last evaluated: 2015-10-02. Review status: criteria provided, single submitter. Criteria: CIMBA Mutation Classification guidelines May 2016. Collection method: clinical testing. Allele origin: germline. Not counted in ClinVar's aggregate classification.

Molecular Oncology, Hospital Universitario Central de Asturias (HUCA)
Classification: Pathogenic for Breast-ovarian cancer, familial, susceptibility to, 1. Last evaluated: 2021-05-24. Review status: no assertion criteria provided. Collection method: case-control. Allele origin: germline. Affected: yes. Not counted in ClinVar's aggregate classification.

BRCAlab, Lund University
Classification: Pathogenic for Breast-ovarian cancer, familial, susceptibility to, 1. Last evaluated: 2020-03-02. Review status: no assertion criteria provided. Collection method: clinical testing. Allele origin: germline. Affected: yes. Not counted in ClinVar's aggregate classification.

Breast Cancer Information Core (BIC) (BRCA1)
Classification: Uncertain significance for Breast-ovarian cancer, familial 1. Last evaluated: 2004-02-20. Review status: no assertion criteria provided. Collection method: clinical testing. Allele origin: germline. Affected: yes. Observed: 3 variant alleles. Not counted in ClinVar's aggregate classification.

Brotman Baty Institute, University of Washington
No classification provided (evidence only). Condition: Breast-ovarian cancer, familial 1. Review status: no classification provided. Collection method: in vitro. Allele origin: not applicable. Functional consequence: functionally_abnormal. Not counted in ClinVar's aggregate classification.
ClinVar note: "not provided" was previously submitted as the classification for the variant. However, the classification appeared to be based only on an observation of functional data so it was converted to no classification on 2025-07-30.

Literature cited by the submitters: PubMed 20513136 (cited by 3 submitters); PubMed 26689913 (cited by Labcorp Genetics (formerly Invitae), Labcorp and Quest Diagnostics Nichols Institute San Juan Capistrano); PubMed 29297111 (cited by 3 submitters); PubMed 30209399 (cited by 4 submitters); PubMed 20516115 (cited by 4 submitters); PubMed 17924331 (cited by Labcorp Genetics (formerly Invitae), Labcorp and Women's Health and Genetics/Laboratory Corporation of America, LabCorp); PubMed 21990134 (cited by Labcorp Genetics (formerly Invitae), Labcorp and Women's Health and Genetics/Laboratory Corporation of America, LabCorp); PubMed 27272900 (cited by Labcorp Genetics (formerly Invitae), Labcorp); PubMed 15235020 (cited by Women's Health and Genetics/Laboratory Corporation of America, LabCorp and Quest Diagnostics Nichols Institute San Juan Capistrano); PubMed 16280041 (cited by Women's Health and Genetics/Laboratory Corporation of America, LabCorp); PubMed 15689452 (cited by Women's Health and Genetics/Laboratory Corporation of America, LabCorp and Quest Diagnostics Nichols Institute San Juan Capistrano); PubMed 15172985 (cited by Women's Health and Genetics/Laboratory Corporation of America, LabCorp and Quest Diagnostics Nichols Institute San Juan Capistrano); PubMed 23683081 (cited by Women's Health and Genetics/Laboratory Corporation of America, LabCorp); PubMed 17308087 (cited by Women's Health and Genetics/Laboratory Corporation of America, LabCorp); PubMed 17305420 (cited by Women's Health and Genetics/Laboratory Corporation of America, LabCorp and Quest Diagnostics Nichols Institute San Juan Capistrano); PubMed 18757339 (cited by Women's Health and Genetics/Laboratory Corporation of America, LabCorp); PubMed 22753008 (cited by Women's Health and Genetics/Laboratory Corporation of America, LabCorp); PubMed 21990165 (cited by Women's Health and Genetics/Laboratory Corporation of America, LabCorp); PubMed 29446198 (cited by 3 submitters); PubMed 37719058 (cited by Women's Health and Genetics/Laboratory Corporation of America, LabCorp); PubMed 30765603 (cited by Quest Diagnostics Nichols Institute San Juan Capistrano); PubMed 29020732 (cited by Quest Diagnostics Nichols Institute San Juan Capistrano); PubMed 28781887 (cited by Quest Diagnostics Nichols Institute San Juan Capistrano); PubMed 21447777 (cited by Quest Diagnostics Nichols Institute San Juan Capistrano); PubMed 38922859 (cited by Molecular Oncology, Hospital Universitario Central de Asturias (HUCA)).

NM_007294.4(BRCA1):c.5054C>T (p.Thr1685Ile)

Gene: BRCA1 (BRCA1 DNA repair associated; minus strand). Cytogenetic location: 17q21.31.
Variant type: single nucleotide variant.
Coding change: c.5054C>T on transcript NM_007294.4 (MANE Select); coding-DNA position 5054, C replaced by T.
Protein change: p.Thr1685Ile; replaces threonine 1685 with isoleucine.
Molecular consequence: missense variant. On other transcripts: non-coding transcript variant (1).
Genome position (GRCh38, 1-based): chr17:43,067,628, G>A on the plus strand (C>T on the coding strand, the complement: BRCA1 is on the minus strand). VCF-style: chr17-43067628-G-A. GRCh37 (hg19) VCF-style: chr17-41219645-G-A.
Other names: 5173C>T; c.5051C>T, p.Thr1684Ile (NM_001407616.1, NM_001407617.1, NM_001407618.1 and 17 more transcripts); c.5048C>T, p.Thr1683Ile (NM_001407635.1, NM_001407636.1, NM_001407637.1 and 14 more transcripts); c.5045C>T, p.Thr1682Ile (NM_001407644.1, NM_001407645.1); c.4973C>T, p.Thr1658Ile (NM_001407657.1, NM_001407658.1, NM_001407656.1); c.4970C>T, p.Thr1657Ile (NM_001407659.1, NM_001407660.1, NM_001407661.1 and 2 more transcripts); c.4931C>T, p.Thr1644Ile (NM_001407664.1, NM_001407665.1, NM_001407666.1 and 6 more transcripts); c.4928C>T, p.Thr1643Ile (NM_001407676.1, NM_001407677.1, NM_001407678.1 and 11 more transcripts); and 71 more; short protein forms T1685I, T1638I, T1706I, T581I, T1531I, T1557I, T1574I, T1595I.
Identifiers: ClinVar variation 55365 (VCV000055365.19), dbSNP rs80357043, ClinGen allele CA003175.